The following is an entry in ClinVar:

ClinVar aggregate classification (germline): Likely pathogenic. Review status: reviewed by expert panel (3 of 4 stars). 3 submissions from 3 submitters: Likely pathogenic (1). 2 of the submissions do not count toward it. Last evaluated 2024-11-18.

Conditions:
RYR1-related myopathy. Identifiers: Orphanet 98742, MedGen CN305348, MONDO:0100150.
RYR1-related disorder. Also called: RYR1-related condition; RYR1-related disorders. Identifiers: MedGen CN239331.

Submissions (3):

ClinGen Congenital Myopathies Variant Curation Expert Panel, ClinGen
Classification: Likely pathogenic for RYR1-related myopathy. Last evaluated: 2024-11-18. Review status: reviewed by expert panel. Criteria: ClinGen CongenMyopathy ACMG Specifications RYR1 AD V2.0.0. Collection method: curation. Allele origin: germline. Inheritance: Autosomal dominant inheritance.
Comment: The c.958_960del (NM_000540.2(RYR1):c.958_960del) variant is predicted to cause a change in the length of the protein (p.Glu320del) due to an in-frame deletion of 1 amino acid in a non-repeat region (PM4). This variant is absent from gnomAD v4.1.0 (PM2_supporting). The computational predictor SpliceAI gives scores of 1.00 and 0.94 for acceptor loss and gain, which are both above the threshold of 0.5, evidence that correlates with impact to RYR1 function (PP3). This variant has been reported in 2 probands with clinical features of RYR1-related myopathy (PS4_supporting; PMID: 23919265, LabCorp Genetics internal data). This variant has been identified as a de novo occurrence with confirmed parental relationships in 1 individual with RYR1-related myopathy (PS2; PMID: 23919265). In summary, this variant meets the criteria to be classified as likely pathogenic for autosomal dominant RYR1-related myopathy based on the ACMG/AMP criteria applied, as specified by the ClinGen Congenital Myopathies VCEP: PM4, PM2_ supporting, PP3, PS4_supporting, PS2 (ClinGen Congenital Myopathies VCEP Specifications Version 2.0; 11/18/2024).

Labcorp Genetics (formerly Invitae), Labcorp
Classification: Pathogenic for RYR1-related disorder. Last evaluated: 2025-09-27. Review status: criteria provided, single submitter. Criteria: Invitae Variant Classification Sherloc (09022015). Collection method: clinical testing. Allele origin: germline. Not counted in ClinVar's aggregate classification.
Comment: This variant, c.958_960del, results in the deletion of 1 amino acid(s) of the RYR1 protein (p.Glu320del), but otherwise preserves the integrity of the reading frame. This variant is not present in population databases (gnomAD no frequency). This variant has been observed in individual(s) with RYR1-related myopathy (PMID: 23919265; internal data). In at least one individual the variant was observed to be de novo. ClinVar contains an entry for this variant (Variation ID: 420138). Algorithms developed to predict the effect of sequence changes on RNA splicing suggest that this variant may disrupt the consensus splice site. This variant disrupts the p.Glu320 amino acid residue in RYR1. Other variant(s) that disrupt this residue have been determined to be pathogenic (internal data). This suggests that this residue is clinically significant, and that variants that disrupt this residue are likely to be disease-causing. For these reasons, this variant has been classified as Pathogenic.

GeneDx
Classification: Pathogenic. Last evaluated: 2025-09-03. Review status: criteria provided, single submitter. Criteria: GeneDx Variant Classification Process June 2021. Collection method: clinical testing. Allele origin: germline. Affected: yes. Not counted in ClinVar's aggregate classification.
Comment: Previously identified in a patient reported to have a RYR1-related myopathy; however, detailed clinical information and segregation analysis was not provided (PMID: 23919265); Not observed at significant frequency in large population cohorts (gnomAD); In-frame deletion of 1 amino acid(s) with an unclear effect on protein function; In silico analysis supports a deleterious effect on protein structure/function; This variant is associated with the following publications: (PMID: 33767344, 23919265)

Literature cited by the submitters: PubMed 23919265 (cited by Labcorp Genetics (formerly Invitae), Labcorp).

NM_000540.2(RYR1):c.958_960del

Gene: RYR1 (ryanodine receptor 1; plus strand). Cytogenetic location: 19q13.2.
Variant type: Deletion.
Coding change: c.958_960del on transcript NM_000540.2; coding-DNA positions 958 to 960, 3 bases deleted (GAG; older notation c.958_960delGAG).
Genome position (GRCh38, 1-based): chr19:38,448,649-38,448,651, GAG deleted; deleting any 3 consecutive bases within chr19:38,448,647-38,448,651 gives the same sequence; the c. name uses the placement nearest the transcript's 3' end. VCF-style (leftmost placement, unchanged base first): chr19-38448646-TAGG-T. GRCh37 (hg19) VCF-style: chr19-38939286-TAGG-T.
Identifiers: ClinVar variation 420138 (VCV000420138.16), dbSNP rs1064794313, ClinGen allele CA16620824.